The following is an entry in ClinVar:

NM_018082.6(POLR3B):c.1700A>G (p.Tyr567Cys)

Gene: POLR3B (RNA polymerase III subunit B; plus strand). Cytogenetic location: 12q23.3.
Variant type: single nucleotide variant.
Coding change: c.1700A>G on transcript NM_018082.6 (MANE Select); coding-DNA position 1700, A replaced by G.
Protein change: p.Tyr567Cys; replaces tyrosine 567 with cysteine.
Molecular consequence: missense variant.
Genome position (GRCh38, 1-based): chr12:106,433,791, A>G. VCF-style: chr12-106433791-A-G. GRCh37 (hg19) VCF-style: chr12-106827569-A-G.
Other names: c.1526A>G, p.Tyr509Cys (NM_001160708.2); short protein forms Y509C, Y567C.
Identifiers: ClinVar variation 3342184 (VCV003342184.16).

ClinVar aggregate classification (germline): Uncertain significance (1 of 4 stars; one submission).

Submission:

CeGaT Center for Human Genetics Tuebingen
Classification: Uncertain significance. Last evaluated: 2024-08-01. Review status: criteria provided, single submitter. Criteria: CeGaT Center For Human Genetics Tuebingen Variant Classification Criteria Version 2. Collection method: clinical testing. Allele origin: germline. Affected: yes. Observed: 1 variant allele.
Comment: POLR3B: PM2, PP3